The following is an entry in ClinVar:

ClinVar aggregate classification (germline): Uncertain significance (1 of 4 stars; one submission).

Conditions:
Cardiovascular phenotype. Identifiers: MedGen CN230736.

Allele frequency attached by ClinVar (database versions not stated): gnomAD exomes below 0.00001.
gnomAD v4.1: 2 of 1,613,748 alleles (0.00012%); highest among the groups gnomAD compares: South Asian, 0.0011%; no homozygotes.

Submission:

Ambry Genetics
Classification: Uncertain significance for Cardiovascular phenotype. Last evaluated: 2025-09-12. Review status: criteria provided, single submitter. Criteria: Ambry Variant Classification Scheme 2023. Collection method: clinical testing. Allele origin: germline.
Comment: The p.T3209I variant (also known as c.9626C>T), located in coding exon 40 of the AKAP9 gene, results from a C to T substitution at nucleotide position 9626. The threonine at codon 3209 is replaced by isoleucine, an amino acid with similar properties. This amino acid position is conserved. In addition, this alteration is predicted to be tolerated by in silico analysis. Based on the available evidence, the clinical significance of this variant remains unclear.

NM_005751.5(AKAP9):c.9626C>T (p.Thr3209Ile)

Gene: AKAP9 (A-kinase anchoring protein 9; plus strand). Cytogenetic location: 7q21.2.
Variant type: single nucleotide variant.
Coding change: c.9626C>T on transcript NM_005751.5 (MANE Select); coding-DNA position 9626, C replaced by T.
Protein change: p.Thr3209Ile; replaces threonine 3209 with isoleucine.
Molecular consequence: missense variant.
Genome position (GRCh38, 1-based): chr7:92,095,070, C>T. VCF-style: chr7-92095070-C-T. GRCh37 (hg19) VCF-style: chr7-91724384-C-T.
Other names: c.4271C>T, p.Thr1424Ile (NM_001379277.1); c.9602C>T, p.Thr3201Ile (NM_147185.3); short protein forms T3209I, T1424I, T3201I.
Identifiers: ClinVar variation 2292945 (VCV002292945.3), dbSNP rs2535294764, ClinGen allele CA368149291.